The following is an entry in ClinVar:

ClinVar aggregate classification (germline): Uncertain significance. Review status: criteria provided, multiple submitters, no conflicts (2 of 4 stars). 2 submissions from 2 submitters: Uncertain significance (2). Last evaluated 2024-01-04.

Conditions:
Inborn genetic diseases. Identifiers: MedGen C0950123, MeSH D030342.
Autosomal dominant limb-girdle muscular dystrophy type 1D (DNAJB6) (LGMDD1). Also called: MUSCULAR DYSTROPHY, LIMB-GIRDLE, TYPE 1D; Autosomal dominant limb-girdle muscular dystrophy type 1D; Muscular dystrophy, limb-girdle, autosomal dominant 1; MUSCULAR DYSTROPHY, AUTOSOMAL DOMINANT, WITH RIMMED VACUOLES. Identifiers: Orphanet 34516, MedGen C4721885, MONDO:0021018, OMIM 603511.

Allele frequency attached by ClinVar (database versions not stated): TOPMed below 0.00001; gnomAD 0.00001; ExAC 0.00003.

Submissions (2):

Labcorp Genetics (formerly Invitae), Labcorp
Classification: Uncertain significance for Autosomal dominant limb-girdle muscular dystrophy type 1D (DNAJB6). Last evaluated: 2024-01-04. Review status: criteria provided, single submitter. Criteria: Invitae Variant Classification Sherloc (09022015). Collection method: clinical testing. Allele origin: germline.
Comment: This sequence change replaces isoleucine, which is neutral and non-polar, with valine, which is neutral and non-polar, at codon 229 of the DNAJB6 protein (p.Ile229Val). This variant is present in population databases (rs772129205, gnomAD 0.02%). This variant has not been reported in the literature in individuals affected with DNAJB6-related conditions. ClinVar contains an entry for this variant (Variation ID: 2074100). Advanced modeling of protein sequence and biophysical properties (such as structural, functional, and spatial information, amino acid conservation, physicochemical variation, residue mobility, and thermodynamic stability) performed at Invitae indicates that this missense variant is not expected to disrupt DNAJB6 protein function with a negative predictive value of 80%. In summary, the available evidence is currently insufficient to determine the role of this variant in disease. Therefore, it has been classified as a Variant of Uncertain Significance.

Ambry Genetics
Classification: Uncertain significance for Inborn genetic diseases. Last evaluated: 2022-05-25. Review status: criteria provided, single submitter. Criteria: Ambry Variant Classification Scheme 2023. Collection method: clinical testing. Allele origin: germline.

NM_058246.4(DNAJB6):c.685A>G (p.Ile229Val)

Gene: DNAJB6 (DnaJ heat shock protein family (Hsp40) member B6; plus strand). Cytogenetic location: 7q36.3.
Variant type: single nucleotide variant.
Coding change: c.685A>G on transcript NM_058246.4 (MANE Select); coding-DNA position 685, A replaced by G.
Protein change: p.Ile229Val; replaces isoleucine 229 with valine.
Molecular consequence: missense variant. On other transcripts: intron variant (1).
Genome position (GRCh38, 1-based): chr7:157,385,605, A>G. VCF-style: chr7-157385605-A-G. GRCh37 (hg19) VCF-style: chr7-157178299-A-G.
Other names: c.685A>G, p.Ile229Val (NM_005494.3); c.346+18122A>G (NM_001363676.1); short protein forms I229V.
Identifiers: ClinVar variation 2074100 (VCV002074100.5), dbSNP rs772129205, ClinGen allele CA4590605.
Genomic context (GRCh38, chr7:157,385,605, plus strand): 5'-GTCGAGAACGGTCAAGAAAGAGTAGAAGTTGAAGAAGATGGCCAGTTAAAGTCCTTAACA[A>G]TAAATGGTAAGGAGCAGCTGCTGCGCTTGGATAACAAGTAATTCAACGCACGCACTTAAC-3'
Protein context (NP_490647.1, residues 219-239): EEDGQLKSLT[Ile229Val]NGVADDDALA